The following is an entry in ClinVar:

NM_002742.3(PRKD1):c.61G>C (p.Ala21Pro)

Gene: PRKD1 (protein kinase D1; minus strand). Cytogenetic location: 14q12.
Variant type: single nucleotide variant.
Coding change: c.61G>C on transcript NM_002742.3 (MANE Select); coding-DNA position 61, G replaced by C.
Protein change: p.Ala21Pro; replaces alanine 21 with proline.
Molecular consequence: missense variant.
Genome position (GRCh38, 1-based): chr14:29,927,452, C>G on the plus strand (G>C on the coding strand, the complement: PRKD1 is on the minus strand). VCF-style: chr14-29927452-C-G. GRCh37 (hg19) VCF-style: chr14-30396658-C-G.
Other names: c.61G>C, p.Ala21Pro (NM_001330069.2); short protein forms A21P.
Identifiers: ClinVar variation 2633975 (VCV002633975.1), dbSNP rs2502316171, ClinGen allele CA389478458.
Genomic context (GRCh38, chr14:29,927,452, plus strand): 5'-GAGCCAAGAACGGCGCGGGCCCGGGCCCGGACCCTGGGACCAGTGCGGCGGCCGCTGCGG[C>G]AGCTGCCGCCGCCACGGGCAGCAGCGGACTGGGCGGCCGCAGGACCGGAGGGGCGCTCAT-3'
Protein context (NP_002733.2, residues 11-31): SPLLPVAAAA[Ala21Pro]AAAAALVPGS

ClinVar aggregate classification (germline): Uncertain significance (1 of 4 stars; one submission).

Conditions:
PRKD1-related disorder. Also called: PRKD1-related condition.

Submission:

PreventionGenetics, part of Exact Sciences
Classification: Uncertain significance for PRKD1-related condition. Last evaluated: 2023-10-11. Review status: criteria provided, single submitter. Criteria: ACMG Guidelines, 2015. Collection method: clinical testing. Allele origin: germline.
Comment: The PRKD1 c.61G>C variant is predicted to result in the amino acid substitution p.Ala21Pro. To our knowledge, this variant has not been reported in the literature or in a large population database, indicating this variant is rare. At this time, the clinical significance of this variant is uncertain due to the absence of conclusive functional and genetic evidence.